The following is an entry in ClinVar:

NM_000135.4(FANCA):c.4124_4125del (p.Thr1375fs)

Genes: FANCA (FA complementation group A; minus strand), ZNF276 (zinc finger protein 276; plus strand). Cytogenetic location: 16q24.3.
Variant type: Microsatellite.
Coding change: c.4124_4125del on transcript NM_000135.4 (MANE Select); coding-DNA positions 4124 to 4125, 2 bases deleted (CA; older notation c.4124_4125delCA).
Protein change: p.Thr1375fs; shifts the reading frame from threonine 1375.
Molecular consequence: frameshift variant. On other transcripts: 3 prime UTR variant (2), non-coding transcript variant (4).
Genome position (GRCh38, 1-based): chr16:89,739,175-89,739,176, TG deleted on the plus strand (CA on the coding strand, the reverse complement: FANCA is on the minus strand); deleting any 2 consecutive bases within chr16:89,739,175-89,739,178 gives the same sequence; the c. name uses the placement nearest the transcript's 3' end. VCF-style (leftmost placement, unchanged base first): chr16-89739174-CTG-C. GRCh37 (hg19) VCF-style: chr16-89805582-CTG-C.
Other names: c.4124_4125del (NM_000135.2); c.4124_4125delCA (NM_000135.2, NM_000135.4, NM_000135.3); c.4124_4125del, p.Thr1375fs (NM_001286167.3); c.*929TG[1] (NM_001113525.2, NM_152287.4); c.4122_4123CA[1], p.Thr1375Serfs (NM_000135.2); short protein forms T1375fs.
Identifiers: ClinVar variation 552509 (VCV000552509.30), dbSNP rs776969626, ClinGen allele CA8250779.

ClinVar aggregate classification (germline): Pathogenic/Likely pathogenic. Review status: criteria provided, multiple submitters, no conflicts (2 of 4 stars). 9 submissions from 9 submitters: Pathogenic (6); Likely pathogenic (1). 2 of the submissions do not count toward it. Last evaluated 2025-09-10.

Conditions:
Fanconi anemia (FA). Also called: Fanconi's anemia. Identifiers: Orphanet 84, MedGen C0015625, MeSH D005199, MONDO:0019391.
Fanconi anemia complementation group A (FANCA). Also called: FANCA-Related Fanconi Anemia; Fanconi anemia, group A. Identifiers: Orphanet 84, MedGen C3469521, MONDO:0009215, OMIM 227650.

Submissions (9):

Natera, Inc.
Classification: Pathogenic for Fanconi anemia. Last evaluated: 2025-09-10. Review status: criteria provided, single submitter. Criteria: Natera Variant Classification Schema (03/2026). Collection method: clinical testing. Allele origin: germline.
Comment: The c.4124_4125delCA variant in FANCA is a frameshift variant predicted to shift the reading frame beginning at codon 1375 and leads to a stop codon 49 codons downstream. This variant is expected to result in nonsense mediated decay, truncation, or a dysfunctional protein product. This variant is rare in the general population with a frequency below the threshold expected for the associated phenotype(s). This variant has been observed in one or more individuals affected with the associated recessive disease, as either homozygous or compound heterozygous with a second variant (PMID: 21273304, 23934222, 24037726, 27041517). Given the available evidence, this variant is classified as Pathogenic.

CeGaT Center for Human Genetics Tuebingen
Classification: Pathogenic. Last evaluated: 2025-08-01. Review status: criteria provided, single submitter. Criteria: CeGaT Center For Human Genetics Tuebingen Variant Classification Criteria Version 2. Collection method: clinical testing. Allele origin: germline. Affected: yes. Observed: 1 variant allele.
Comment: FANCA: PVS1, PM2, PS4:Moderate

Women's Health and Genetics/Laboratory Corporation of America, LabCorp
Classification: Pathogenic for Fanconi anemia. Last evaluated: 2025-01-10. Review status: criteria provided, single submitter. Criteria: LabCorp Variant Classification Summary - May 2015. Collection method: clinical testing. Allele origin: germline.
Comment: Variant summary: FANCA c.4124_4125delCA (p.Thr1375SerfsX49) results in a premature termination codon, predicted to cause a truncation of the encoded protein or absence of the protein due to nonsense mediated decay, which are commonly known mechanisms for disease. The variant allele was found at a frequency of 8e-06 in 250976 control chromosomes. c.4124_4125delCA has been reported in the literature in more than one compound heterozygous individual affected with Fanconi Anemia (Castella_2011). To our knowledge, no experimental evidence demonstrating an impact on protein function has been reported. The following publications have been ascertained in the context of this evaluation (PMID: 21273304, 30792206). ClinVar contains an entry for this variant (Variation ID: 552509). Based on the evidence outlined above, the variant was classified as pathogenic.

Labcorp Genetics (formerly Invitae), Labcorp
Classification: Pathogenic for Fanconi anemia. Last evaluated: 2024-03-12. Review status: criteria provided, single submitter. Criteria: Invitae Variant Classification Sherloc (09022015). Collection method: clinical testing. Allele origin: germline.
Comment: This sequence change creates a premature translational stop signal (p.Thr1375Serfs*49) in the FANCA gene. While this is not anticipated to result in nonsense mediated decay, it is expected to disrupt the last 81 amino acid(s) of the FANCA protein. This variant is present in population databases (rs776969626, gnomAD 0.006%). This premature translational stop signal has been observed in individuals with Fanconi anemia (PMID: 21273304, 23934222, 27041517). ClinVar contains an entry for this variant (Variation ID: 552509). This variant disrupts the p.Arg1400 amino acid residue in FANCA. Other variant(s) that disrupt this residue have been determined to be pathogenic (PMID: 15643609, 21273304, 24584348, 28102861, 28717661, 29098742). This suggests that this residue is clinically significant, and that variants that disrupt this residue are likely to be disease-causing. For these reasons, this variant has been classified as Pathogenic.

Baylor Genetics
Classification: Pathogenic for Fanconi anemia complementation group A. Last evaluated: 2023-08-26. Review status: criteria provided, single submitter. Criteria: ACMG Guidelines, 2015. Collection method: clinical testing. Allele origin: unknown.

GeneDx
Classification: Likely pathogenic. Last evaluated: 2022-10-24. Review status: criteria provided, single submitter. Criteria: GeneDx Variant Classification Process June 2021. Collection method: clinical testing. Allele origin: germline. Affected: yes.
Comment: Frameshift variant predicted to result in protein truncation, as the last 81 amino acids are replaced with 48 different amino acids, and other loss-of-function variants have been reported downstream in HGMD; This variant is associated with the following publications: (PMID: 31589614, 24037726, 30792206, 28717661, 27041517, 21273304, 23934222, 26366677)

Eurofins Ntd Llc (ga)
Classification: Pathogenic. Last evaluated: 2018-02-19. Review status: criteria provided, single submitter. Criteria: EGL ClinVar v180209 classification definitions. Collection method: clinical testing. Allele origin: germline. Observed: 1 variant allele, 1 heterozygote.

Leiden Open Variation Database
Classification: Pathogenic for Fanconi anemia complementation group A. Last evaluated: 2020-02-28. Review status: no assertion criteria provided. Collection method: curation. Allele origin: germline. Affected: yes. Not counted in ClinVar's aggregate classification.
Comment: Curator: Arleen D. Auerbach. Submitters to LOVD: Arleen D. Auerbach, Daniela Pilonetto.

Counsyl
Classification: Pathogenic for Fanconi anemia complementation group A. Last evaluated: 2017-06-14. Review status: no assertion criteria provided. Collection method: clinical testing. Allele origin: unknown. Not counted in ClinVar's aggregate classification.

Literature cited by the submitters: PubMed 21273304 (cited by 4 submitters); PubMed 23934222 (cited by 3 submitters); PubMed 24037726 (cited by Natera, Inc. and Counsyl); PubMed 27041517 (cited by 3 submitters); PubMed 30792206 (cited by Women's Health and Genetics/Laboratory Corporation of America, LabCorp); PubMed 15643609 (cited by Labcorp Genetics (formerly Invitae), Labcorp); PubMed 24584348 (cited by Labcorp Genetics (formerly Invitae), Labcorp); PubMed 28102861 (cited by Labcorp Genetics (formerly Invitae), Labcorp); PubMed 28717661 (cited by Labcorp Genetics (formerly Invitae), Labcorp); PubMed 29098742 (cited by Labcorp Genetics (formerly Invitae), Labcorp); PubMed 26366677 (cited by Counsyl).